The following is an entry in ClinVar:

ClinVar aggregate classification (germline): Uncertain significance. Review status: criteria provided, multiple submitters, no conflicts (2 of 4 stars). 2 submissions from 2 submitters: Uncertain significance (2). Last evaluated 2025-09-22.

Conditions:
Inborn genetic diseases. Identifiers: MedGen C0950123, MeSH D030342.

Submissions (2):

Labcorp Genetics (formerly Invitae), Labcorp
Classification: Uncertain significance. Last evaluated: 2025-09-22. Review status: criteria provided, single submitter. Criteria: Invitae Variant Classification Sherloc (09022015). Collection method: clinical testing. Allele origin: germline.
Comment: This sequence change replaces serine, which is neutral and polar, with arginine, which is basic and polar, at codon 1102 of the ANKRD26 protein (p.Ser1102Arg). This variant is not present in population databases (gnomAD no frequency). This variant has not been reported in the literature in individuals affected with ANKRD26-related conditions. ClinVar contains an entry for this variant (Variation ID: 3872116). An algorithm developed to predict the effect of missense changes on protein structure and function (PolyPhen-2) suggests that this variant is likely to be tolerated. In summary, the available evidence is currently insufficient to determine the role of this variant in disease. Therefore, it has been classified as a Variant of Uncertain Significance.

Ambry Genetics
Classification: Uncertain significance for Inborn genetic diseases. Last evaluated: 2025-03-07. Review status: criteria provided, single submitter. Criteria: Ambry Variant Classification Scheme 2023. Collection method: clinical testing. Allele origin: germline.
Comment: The p.S1102R variant (also known as c.3306C>A), located in coding exon 24 of the ANKRD26 gene, results from a C to A substitution at nucleotide position 3306. The serine at codon 1102 is replaced by arginine, an amino acid with dissimilar properties. This amino acid position is conserved. In addition, this alteration is predicted to be tolerated by in silico analysis. Based on the available evidence, the clinical significance of this variant remains unclear.

NM_014915.3(ANKRD26):c.3306C>A (p.Ser1102Arg)

Gene: ANKRD26 (ankyrin repeat domain 26; minus strand). Cytogenetic location: 10p12.1.
Variant type: single nucleotide variant.
Coding change: c.3306C>A on transcript NM_014915.3 (MANE Select); coding-DNA position 3306, C replaced by A.
Protein change: p.Ser1102Arg; replaces serine 1102 with arginine.
Molecular consequence: missense variant.
Genome position (GRCh38, 1-based): chr10:27,035,144, G>T on the plus strand (C>A on the coding strand, the complement: ANKRD26 is on the minus strand). VCF-style: chr10-27035144-G-T. GRCh37 (hg19) VCF-style: chr10-27324073-G-T.
Other names: c.3303C>A, p.Ser1101Arg (NM_001256053.2); short protein forms S1102R, S1101R.
Identifiers: ClinVar variation 3872116 (VCV003872116.2).